The following is an entry in ClinVar:

ClinVar aggregate classification (germline): Uncertain significance (1 of 4 stars; one submission).

Submission:

Labcorp Genetics (formerly Invitae), Labcorp
Classification: Uncertain significance. Last evaluated: 2022-09-21. Review status: criteria provided, single submitter. Criteria: Invitae Variant Classification Sherloc (09022015). Collection method: clinical testing. Allele origin: germline.
Comment: This variant is a gross deletion of the genomic region encompassing exon(s) 2-9 of the RNF115 gene, which includes the termination codon. This deletion extends beyond the assayed region for this gene and therefore may encompass additional genes. While this deletion is not anticipated to lead to nonsense mediated decay, it is expected to alter mRNA translation or result in a truncated protein product. This variant has not been reported in the literature in individuals affected with RNF115-related conditions. In summary, the available evidence is currently insufficient to determine the role of this variant in disease. Therefore, it has been classified as a Variant of Uncertain Significance.

NC_000001.10:g.(?_145646115)_(145688220_?)del

Gene: RNF115 (ring finger protein 115; minus strand). Cytogenetic location: 1q21.1.
Variant type: Deletion.
Identifiers: ClinVar variation 1468531 (VCV001468531.4).